The following is an entry in ClinVar:

ClinVar aggregate classification (germline): Pathogenic (1 of 4 stars; one submission).

Conditions:
Duchenne muscular dystrophy (DMD). Also called: Duchenne Muscular Dystrophy (DMD); MUSCULAR DYSTROPHY, PSEUDOHYPERTROPHIC PROGRESSIVE, DUCHENNE TYPE. Identifiers: Orphanet 98896, MedGen C0013264, MONDO:0010679, OMIM 310200.

Submission:

Labcorp Genetics (formerly Invitae), Labcorp
Classification: Pathogenic for Duchenne muscular dystrophy. Last evaluated: 2019-12-02. Review status: criteria provided, single submitter. Criteria: Invitae Variant Classification Sherloc (09022015). Collection method: clinical testing. Allele origin: germline.
Comment: This variant results in a copy number gain of the genomic region encompassing exons 50-52 of the DMD gene. While the exact position of this variant cannot be determined from this data, sub-genic copy number gains are generally in tandem (PMID: 25640679) and may result in an absent or disrupted protein product. A similar gain of exons 50-52 has been observed in an individual affected with Duchenne muscular dystrophy (DMD) (PMID: 1868831, 2316519). Loss-of-function variants in DMD are known to be pathogenic (PMID: 16770791, 25007885). For these reasons, this variant has been classified as Pathogenic.

Literature cited by the submitters: PubMed 2316519; PubMed 1868831.

NC_000023.11:g.(?_31729621)_(31820093_?)dup

Gene: DMD (dystrophin; minus strand). Cytogenetic location: Xp21.1.
Variant type: Duplication.
Identifiers: ClinVar variation 832397 (VCV000832397.1).